The following is an entry in ClinVar:

NM_000038.5(APC):c.1-?_8532+?del

Gene: APC (APC regulator of Wnt signaling pathway; plus strand). Cytogenetic location: 5q22.2.
Variant type: Deletion.
Coding change: c.1-?_8532+?del on transcript NM_000038.5.
Identifiers: ClinVar variation 433567 (VCV000433567.3).

ClinVar aggregate classification (germline): Pathogenic (1 of 4 stars; one submission).

Conditions:
Familial multiple polyposis syndrome (FAP). Also called: Familial adenomatous polyposis; Familial Adenomatous Polyposis (FAP); Familial intestinal polyposis; Familial polyposis; Classic familial adenomatous polyposis. Identifiers: Orphanet 733, MedGen C0032580, MONDO:0021055. Disease mechanism: loss of function.

Submission:

Department of Pathology and Laboratory Medicine, Sinai Health System
Classification: Pathogenic for Familial multiple polyposis syndrome. Last evaluated: 2024-11-04. Review status: criteria provided, single submitter. Criteria: ACMG Guidelines, 2015. Collection method: clinical testing. Allele origin: germline. Affected: yes. Study: Canadian Open Genetics Repository (COGR).
Comment: The c.1-?_8532+?del deletion in APC has been previously reported in the literature in 8 out of 436 proband chromosomes of individuals with familial adenomatous polyposis (FAP) (Nilbert, 2008; Sieber, 2002). This gene deletion alteration is predicted to lead to an absent protein and loss of function. Loss of function variants of the APC gene is an established disease mechanism for familial adenomatous polyposis. In summary, based on the above information, this variant is classified as pathogenic.